The following is an entry in ClinVar:

ClinVar aggregate classification (germline): Likely pathogenic (1 of 4 stars; one submission).

Conditions:
DOCK2 deficiency. Also called: Immunodeficiency 40. Identifiers: Orphanet 447737, MedGen C4225328, MONDO:0014637, OMIM 616433.

Submission:

Labcorp Genetics (formerly Invitae), Labcorp
Classification: Likely pathogenic for DOCK2 deficiency. Last evaluated: 2022-09-26. Review status: criteria provided, single submitter. Criteria: Invitae Variant Classification Sherloc (09022015). Collection method: clinical testing. Allele origin: germline.
Comment: This sequence change affects an acceptor splice site in intron 40 of the DOCK2 gene. It is expected to disrupt RNA splicing. Variants that disrupt the donor or acceptor splice site typically lead to a loss of protein function (PMID: 16199547), and loss-of-function variants in DOCK2 are known to be pathogenic (PMID: 26083206). This variant is not present in population databases (gnomAD no frequency). This variant has not been reported in the literature in individuals affected with DOCK2-related conditions. Algorithms developed to predict the effect of sequence changes on RNA splicing suggest that this variant may disrupt the consensus splice site. In summary, the currently available evidence indicates that the variant is pathogenic, but additional data are needed to prove that conclusively. Therefore, this variant has been classified as Likely Pathogenic.

Literature cited by the submitters: PubMed 16199547; PubMed 26083206.

NM_004946.3(DOCK2):c.4072-1G>C

Gene: DOCK2 (dedicator of cytokinesis 2; plus strand). Cytogenetic location: 5q35.1.
Variant type: single nucleotide variant.
Coding change: c.4072-1G>C on transcript NM_004946.3 (MANE Select); the canonical splice acceptor site of the intron before coding-DNA position 4072, G replaced by C.
Molecular consequence: splice acceptor variant.
Genome position (GRCh38, 1-based): chr5:170,050,255, G>C. VCF-style: chr5-170050255-G-C. GRCh37 (hg19) VCF-style: chr5-169477259-G-C.
Identifiers: ClinVar variation 2008486 (VCV002008486.4), dbSNP rs2532467695, ClinGen allele CA362110055.